The following is an entry in ClinVar:

NM_004239.4(TRIP11):c.1457G>C (p.Ser486Thr)

Gene: TRIP11 (thyroid hormone receptor interactor 11; minus strand). Cytogenetic location: 14q32.12.
Variant type: single nucleotide variant.
Coding change: c.1457G>C on transcript NM_004239.4 (MANE Select); coding-DNA position 1457, G replaced by C.
Protein change: p.Ser486Thr; replaces serine 486 with threonine.
Molecular consequence: missense variant.
Genome position (GRCh38, 1-based): chr14:92,007,710, C>G on the plus strand (G>C on the coding strand, the complement: TRIP11 is on the minus strand). VCF-style: chr14-92007710-C-G. GRCh37 (hg19) VCF-style: chr14-92474054-C-G.
Other names: c.1454G>C, p.Ser485Thr (NM_001321851.1); short protein forms S485T, S486T.
Identifiers: ClinVar variation 1357127 (VCV001357127.8), dbSNP rs1472131979, ClinGen allele CA390661750.
Genomic context (GRCh38, chr14:92,007,710, plus strand): 5'-TCTTGATTCTGTCTGTCCAATTCTTCTATCTCAGCTATCAGTGTTTCCTTTTCACTAATA[C>G]TCTGATTGAGTTCTTGTTCCTTTGCCTCCAAATTAAGTCTTAAGTCATGTAATTCTGAAT-3'
Protein context (NP_004230.2, residues 476-496): LEAKEQELNQ[Ser486Thr]ISEKETLIAE

ClinVar aggregate classification (germline): Uncertain significance (1 of 4 stars; one submission).

Conditions:
Achondrogenesis, type IA (ACG1A). Identifiers: Orphanet 932, Orphanet 93299, MedGen C0265273, MONDO:0008701, OMIM 200600.

Submission:

Labcorp Genetics (formerly Invitae), Labcorp
Classification: Uncertain significance for Achondrogenesis, type IA. Last evaluated: 2021-06-06. Review status: criteria provided, single submitter. Criteria: Invitae Variant Classification Sherloc (09022015). Collection method: clinical testing. Allele origin: germline.
Comment: This sequence change replaces serine with threonine at codon 486 of the TRIP11 protein (p.Ser486Thr). The serine residue is moderately conserved and there is a small physicochemical difference between serine and threonine. This variant is not present in population databases (ExAC no frequency). This variant has not been reported in the literature in individuals with TRIP11-related conditions. Algorithms developed to predict the effect of missense changes on protein structure and function are either unavailable or do not agree on the potential impact of this missense change (SIFT: "Not Available"; PolyPhen-2: "Benign"; Align-GVGD: "Not Available"). In summary, the available evidence is currently insufficient to determine the role of this variant in disease. Therefore, it has been classified as a Variant of Uncertain Significance.